The following is an entry in ClinVar:

ClinVar aggregate classification (germline): Uncertain significance (1 of 4 stars; one submission).

Conditions:
C3 glomerulonephritis. Also called: Nephropathy due to CFHR5 Deficiency; C3 GLOMERULOPATHY 3. Identifiers: Orphanet 329931, MedGen C4055342, MONDO:0013892, OMIM 614809.
Atypical hemolytic-uremic syndrome. Identifiers: Orphanet 2134, MedGen C2931788, MONDO:0016244.

gnomAD v4.1: 3 of 1,614,118 alleles (0.00019%); highest among the groups gnomAD compares: South Asian, 0.0033%; no homozygotes.

Submission:

Genomenon, Inc
Classification: Uncertain significance for C3 glomerulonephritis; Atypical hemolytic-uremic syndrome. Last evaluated: 2025-09-30. Review status: criteria provided, single submitter. Criteria: Genomenon Sequence Variant Interpretation Standards. Collection method: curation. Allele origin: germline. Affected: yes.
Comment: C3 p.Trp1631Ter (c.4893G>A) is a nonsense variant that introduces a premature stop codon at amino acid position 1631, creating a truncated protein. This variant has been observed in at least one proband affected with a C3-related disorder (PMID:37744338). It is absent or not present at a significant frequency in gnomAD. In conclusion, we classify C3 p.Trp1631Ter (c.4893G>A) as a variant of unknown significance.

Literature cited by the submitters: PubMed 37744338.

NM_000064.4(C3):c.4893G>A (p.Trp1631Ter)

Gene: C3 (complement C3; minus strand). Cytogenetic location: 19p13.3.
Variant type: single nucleotide variant.
Coding change: c.4893G>A on transcript NM_000064.4 (MANE Select); coding-DNA position 4893, G replaced by A.
Protein change: p.Trp1631Ter; replaces tryptophan 1631 with a stop codon.
Molecular consequence: nonsense.
Genome position (GRCh38, 1-based): chr19:6,677,981, C>T on the plus strand (G>A on the coding strand, the complement: C3 is on the minus strand). VCF-style: chr19-6677981-C-T. GRCh37 (hg19) VCF-style: chr19-6677992-C-T.
Other names: short protein forms W1631*.
Identifiers: ClinVar variation 4280247 (VCV004280247.1).